The following is an entry in ClinVar:

NM_031885.5(BBS2):c.613-1G>T

Gene: BBS2 (Bardet-Biedl syndrome 2; minus strand). Cytogenetic location: 16q13.
Variant type: single nucleotide variant.
Coding change: c.613-1G>T on transcript NM_031885.5 (MANE Select); the canonical splice acceptor site of the intron before coding-DNA position 613, G replaced by T.
Molecular consequence: splice acceptor variant.
Genome position (GRCh38, 1-based): chr16:56,506,225, C>A on the plus strand (G>T on the coding strand, the complement: BBS2 is on the minus strand). VCF-style: chr16-56506225-C-A. GRCh37 (hg19) VCF-style: chr16-56540137-C-A.
Other names: c.613-1G>T (NM_001377456.1).
Identifiers: ClinVar variation 2125568 (VCV002125568.4), dbSNP rs2144163316, ClinGen allele CA395983381.

ClinVar aggregate classification (germline): Pathogenic (1 of 4 stars; one submission).

Conditions:
Bardet-Biedl syndrome (BBS). Identifiers: Orphanet 110, MedGen C0752166, MONDO:0015229.

Submission:

Labcorp Genetics (formerly Invitae), Labcorp
Classification: Pathogenic for Bardet-Biedl syndrome. Last evaluated: 2022-04-12. Review status: criteria provided, single submitter. Criteria: Invitae Variant Classification Sherloc (09022015). Collection method: clinical testing. Allele origin: germline.
Comment: This variant is not present in population databases (gnomAD no frequency). This sequence change affects an acceptor splice site in intron 5 of the BBS2 gene. RNA analysis indicates that disruption of this splice site induces altered splicing and likely results in a shortened protein product. Disruption of this splice site has been observed in individual(s) with clinical features of Bardet-Biedl syndrome (PMID: 28717663). For these reasons, this variant has been classified as Pathogenic. Studies have shown that disruption of this splice site results in skipping of exon 6, but is expected to preserve the integrity of the reading-frame (PMID: 28717663). Studies have shown that disruption of this splice site alters BBS2 gene expression (PMID: 28717663).

Literature cited by the submitters: PubMed 28717663.